The following is an entry in ClinVar:

NM_001080457.2(LRRC4B):c.1737C>T (p.Ile579=)

Gene: LRRC4B (leucine rich repeat containing 4B; minus strand). Cytogenetic location: 19q13.33.
Variant type: single nucleotide variant.
Coding change: c.1737C>T on transcript NM_001080457.2 (MANE Select); coding-DNA position 1737, C replaced by T.
Protein change: p.Ile579=; no amino-acid change (isoleucine 579 retained).
Molecular consequence: synonymous variant.
Genome position (GRCh38, 1-based): chr19:50,517,976, G>A on the plus strand (C>T on the coding strand, the complement: LRRC4B is on the minus strand). VCF-style: chr19-50517976-G-A. GRCh37 (hg19) VCF-style: chr19-51021233-G-A.
Other names: c.1737C>T, p.Ile579= (NM_001348568.1).
Identifiers: ClinVar variation 2650351 (VCV002650351.24), dbSNP rs201258436, ClinGen allele CA9599909.

ClinVar aggregate classification (germline): Likely benign (1 of 4 stars; one submission).

Allele frequency attached by ClinVar (database versions not stated): TOPMed 0.00002; gnomAD 0.00003; gnomAD exomes 0.00003; ExAC 0.00005.

Submission:

CeGaT Center for Human Genetics Tuebingen
Classification: Likely benign. Last evaluated: 2022-07-01. Review status: criteria provided, single submitter. Criteria: CeGaT Center For Human Genetics Tuebingen Variant Classification Criteria Version 2. Collection method: clinical testing. Allele origin: germline. Affected: yes. Observed: 1 variant allele.
Comment: LRRC4B: BP4, BP7